The following is an entry in ClinVar:

ClinVar aggregate classification (germline): Uncertain significance (1 of 4 stars; one submission).

Conditions:
Familial cancer of breast. Also called: BREAST CANCER, FAMILIAL; hereditary breast carcinoma; Hereditary breast cancer. Identifiers: Orphanet 227535, MedGen C0346153, MONDO:0016419, OMIM 114480. Disease mechanism: loss of function.
Fanconi anemia complementation group J. Also called: BRIP1-Related Fanconi Anemia. Identifiers: Orphanet 84, MedGen C1836860, MONDO:0012187, OMIM 609054.

Submission:

Labcorp Genetics (formerly Invitae), Labcorp
Classification: Uncertain significance for Familial cancer of breast; Fanconi anemia complementation group J. Last evaluated: 2025-09-08. Review status: criteria provided, single submitter. Criteria: Invitae Variant Classification Sherloc (09022015). Collection method: clinical testing. Allele origin: germline.
Comment: This sequence change replaces aspartic acid, which is acidic and polar, with asparagine, which is neutral and polar, at codon 563 of the BRIP1 protein (p.Asp563Asn). This variant is not present in population databases (gnomAD no frequency). This variant has not been reported in the literature in individuals affected with BRIP1-related conditions. ClinVar contains an entry for this variant (Variation ID: 1389092). Invitae Evidence Modeling of protein sequence and biophysical properties (such as structural, functional, and spatial information, amino acid conservation, physicochemical variation, residue mobility, and thermodynamic stability) indicates that this missense variant is not expected to disrupt BRIP1 protein function with a negative predictive value of 95%. In summary, the available evidence is currently insufficient to determine the role of this variant in disease. Therefore, it has been classified as a Variant of Uncertain Significance.

NM_032043.3(BRIP1):c.1687G>A (p.Asp563Asn)

Gene: BRIP1 (BRCA1 interacting DNA helicase 1; minus strand). Cytogenetic location: 17q23.2.
Variant type: single nucleotide variant.
Coding change: c.1687G>A on transcript NM_032043.3 (MANE Select); coding-DNA position 1687, G replaced by A.
Protein change: p.Asp563Asn; replaces aspartic acid 563 with asparagine.
Molecular consequence: missense variant.
Genome position (GRCh38, 1-based): chr17:61,780,947, C>T on the plus strand (G>A on the coding strand, the complement: BRIP1 is on the minus strand). VCF-style: chr17-61780947-C-T. GRCh37 (hg19) VCF-style: chr17-59858308-C-T.
Other names: short protein forms D563N.
Identifiers: ClinVar variation 1389092 (VCV001389092.9), dbSNP rs2145095363, ClinGen allele CA400480465.